The following is an entry in ClinVar:

ClinVar aggregate classification (germline): Uncertain significance (1 of 4 stars; one submission).

Submission:

Labcorp Genetics (formerly Invitae), Labcorp
Classification: Uncertain significance. Last evaluated: 2022-06-23. Review status: criteria provided, single submitter. Criteria: Invitae Variant Classification Sherloc (09022015). Collection method: clinical testing. Allele origin: germline.
Comment: This variant results in a copy number gain of the genomic region encompassing exon(s) 3-33 of the CCDC88A gene. This region includes the termination codon of the gene. This copy number gain extends beyond the assayed region for this gene and therefore may encompass additional genes. As the precise location of this event is unknown, it may be in tandem or it may be located elsewhere in the genome. This variant has not been reported in the literature in individuals affected with CCDC88A-related conditions. Experimental studies and prediction algorithms are not available or were not evaluated, and the functional significance of this variant is currently unknown. In summary, the available evidence is currently insufficient to determine the role of this variant in disease. Therefore, it has been classified as a Variant of Uncertain Significance.

NC_000002.11:g.(?_55459961)_(55616042_?)dup

Genes: CCDC88A (coiled-coil domain containing 88A; minus strand), MTIF2 (mitochondrial translational initiation factor 2; minus strand), RPS27A (ribosomal protein S27a; plus strand). Cytogenetic location: 2p16.1.
Variant type: Duplication.
Identifiers: ClinVar variation 2423802 (VCV002423802.3).